The following is an entry in ClinVar:

ClinVar aggregate classification (germline): Likely benign (1 of 4 stars; one submission).

gnomAD v4.1: 11 of 1,613,896 alleles (0.00068%); highest among the groups gnomAD compares: African/African-American, 0.0013%; no homozygotes.

Submission:

CeGaT Center for Human Genetics Tuebingen
Classification: Likely benign. Last evaluated: 2022-12-01. Review status: criteria provided, single submitter. Criteria: CeGaT Center For Human Genetics Tuebingen Variant Classification Criteria Version 2. Collection method: clinical testing. Allele origin: germline. Affected: yes. Observed: 1 variant allele.
Comment: HIKESHI: BP4, BP7

NM_016401.4(HIKESHI):c.132C>T (p.Ile44=)

Gene: HIKESHI (heat shock protein nuclear import factor hikeshi; plus strand). Cytogenetic location: 11q14.2.
Variant type: single nucleotide variant.
Coding change: c.132C>T on transcript NM_016401.4 (MANE Select); coding-DNA position 132, C replaced by T.
Protein change: p.Ile44=; no amino-acid change (isoleucine 44 retained).
Molecular consequence: synonymous variant. On other transcripts: non-coding transcript variant (1).
Genome position (GRCh38, 1-based): chr11:86,306,346, C>T. VCF-style: chr11-86306346-C-T. GRCh37 (hg19) VCF-style: chr11-86017388-C-T.
Other names: c.132C>T, p.Ile44= (NM_001322404.2); c.15C>T, p.Ile5= (NM_001322407.2, NM_001322409.2).
Identifiers: ClinVar variation 2642254 (VCV002642254.24), dbSNP rs200822371, ClinGen allele CA225353632.